The following is an entry in ClinVar:

NM_001042492.3(NF1):c.6009del (p.Thr2004fs)

Gene: NF1 (neurofibromin 1; plus strand). Cytogenetic location: 17q11.2.
Variant type: Deletion.
Coding change: c.6009del on transcript NM_001042492.3 (MANE Select); coding-DNA position 6009, one base deleted (T; older notation c.6009delT).
Protein change: p.Thr2004fs; shifts the reading frame from threonine 2004.
Molecular consequence: frameshift variant.
Genome position (GRCh38, 1-based): chr17:31,336,335, T deleted; the last of 2 consecutive T bases (chr17:31,336,334-31,336,335); deleting either gives the same sequence. VCF-style (leftmost placement, unchanged base first): chr17-31336333-AT-A. GRCh37 (hg19) VCF-style: chr17-29663351-AT-A.
Other names: c.5946delT (NM_000267.3); c.5946delT, p.Thr1983Glnfs (NM_000267.4); short protein forms T1983fs, T2004fs.
Identifiers: ClinVar variation 826071 (VCV000826071.4), dbSNP rs1179712488, ClinGen allele CA499446368.

ClinVar aggregate classification (germline): Pathogenic (1 of 4 stars; one submission).

Conditions:
Hereditary cancer-predisposing syndrome. Also called: Neoplastic Syndromes, Hereditary; Tumor predisposition; Hereditary neoplastic syndrome; Hereditary Cancer Syndrome. Identifiers: Orphanet 140162, MedGen C0027672, MeSH D009386, MONDO:0015356.
Cardiovascular phenotype. Identifiers: MedGen CN230736.

Submission:

Ambry Genetics
Classification: Pathogenic for Cardiovascular phenotype; Hereditary cancer-predisposing syndrome. Last evaluated: 2018-05-31. Review status: criteria provided, single submitter. Criteria: Ambry Variant Classification Scheme 2023. Collection method: clinical testing. Allele origin: germline.
Comment: The c.5946delT pathogenic mutation, located in coding exon 40 of the NF1 gene, results from a deletion of one nucleotide at nucleotide position 5946, causing a translational frameshift with a predicted alternate stop codon (p.T1983Qfs*8). This alteration is expected to result in loss of function by premature protein truncation or nonsense-mediated mRNA decay. As such, this alteration is interpreted as a disease-causing mutation.